The following is an entry in ClinVar:

NM_152564.5(VPS13B):c.10037G>C (p.Gly3346Ala)

Gene: VPS13B (vacuolar protein sorting 13 homolog B; plus strand). Cytogenetic location: 8q22.2.
Variant type: single nucleotide variant.
Coding change: c.10037G>C on transcript NM_152564.5 (MANE Select); coding-DNA position 10037, G replaced by C.
Protein change: p.Gly3346Ala; replaces glycine 3346 with alanine.
Molecular consequence: missense variant.
Genome position (GRCh38, 1-based): chr8:99,848,870, G>C. VCF-style: chr8-99848870-G-C. GRCh37 (hg19) VCF-style: chr8-100861098-G-C.
Other names: c.10112G>C, p.Gly3371Ala (NM_017890.5); short protein forms G3346A, G3371A.
Identifiers: ClinVar variation 1424445 (VCV001424445.6), dbSNP rs2130902601, ClinGen allele CA371779866.

ClinVar aggregate classification (germline): Uncertain significance (1 of 4 stars; one submission).

Conditions:
Cohen syndrome (COH1). Also called: Cutis verticis gyrata, retinitis pigmentosa, and sensorineural deafness; PEPPER SYNDROME. Identifiers: Orphanet 193, MedGen C0265223, MONDO:0008999, OMIM 216550.

Submission:

Labcorp Genetics (formerly Invitae), Labcorp
Classification: Uncertain significance for Cohen syndrome. Last evaluated: 2022-07-05. Review status: criteria provided, single submitter. Criteria: Invitae Variant Classification Sherloc (09022015). Collection method: clinical testing. Allele origin: germline.
Comment: ClinVar contains an entry for this variant (Variation ID: 1424445). This variant has not been reported in the literature in individuals affected with VPS13B-related conditions. This variant is not present in population databases (gnomAD no frequency). This sequence change replaces glycine with alanine at codon 3371 of the VPS13B protein (p.Gly3371Ala). The glycine residue is weakly conserved and there is a small physicochemical difference between glycine and alanine. Algorithms developed to predict the effect of missense changes on protein structure and function are either unavailable or do not agree on the potential impact of this missense change (SIFT: "Not Available"; PolyPhen-2: "Possibly Damaging"; Align-GVGD: "Not Available"). In summary, the available evidence is currently insufficient to determine the role of this variant in disease. Therefore, it has been classified as a Variant of Uncertain Significance.